The following is an entry in ClinVar:

ClinVar aggregate classification (germline): Uncertain significance (1 of 4 stars; one submission).

Conditions:
Hereditary cancer-predisposing syndrome. Also called: Neoplastic Syndromes, Hereditary; Tumor predisposition; Hereditary neoplastic syndrome; Hereditary Cancer Syndrome. Identifiers: Orphanet 140162, MedGen C0027672, MeSH D009386, MONDO:0015356.

Submission:

Ambry Genetics
Classification: Uncertain significance for Hereditary cancer-predisposing syndrome. Last evaluated: 2024-03-20. Review status: criteria provided, single submitter. Criteria: Ambry Variant Classification Scheme 2023. Collection method: clinical testing. Allele origin: germline.
Comment: The p.N386K variant (also known as c.1158C>G), located in coding exon 8 of the PTCH1 gene, results from a C to G substitution at nucleotide position 1158. The asparagine at codon 386 is replaced by lysine, an amino acid with similar properties. This amino acid position is conserved. In addition, this alteration is predicted to be tolerated by in silico analysis. Based on the available evidence, the clinical significance of this alteration remains unclear.

NM_000264.5(PTCH1):c.1158C>G (p.Asn386Lys)

Gene: PTCH1 (patched 1; minus strand). Cytogenetic location: 9q22.32.
Variant type: single nucleotide variant.
Coding change: c.1158C>G on transcript NM_000264.5 (MANE Select); coding-DNA position 1158, C replaced by G.
Protein change: p.Asn386Lys; replaces asparagine 386 with lysine.
Molecular consequence: missense variant. On other transcripts: non-coding transcript variant (1).
Genome position (GRCh38, 1-based): chr9:95,479,057, G>C on the plus strand (C>G on the coding strand, the complement: PTCH1 is on the minus strand). VCF-style: chr9-95479057-G-C. GRCh37 (hg19) VCF-style: chr9-98241339-G-C.
Other names: c.960C>G, p.Asn320Lys (NM_001083602.3); c.1155C>G, p.Asn385Lys (NM_001083603.3); c.705C>G, p.Asn235Lys (NM_001083604.3, NM_001083605.3, NM_001083606.3 and 1 more transcripts); c.1158C>G, p.Asn386Lys (NM_001354918.2); short protein forms N320K, N386K, N235K, N385K.
Identifiers: ClinVar variation 3311132 (VCV003311132.1).